The following is an entry in ClinVar:

NM_203447.4(DOCK8):c.4858C>G (p.Pro1620Ala)

Gene: DOCK8 (dedicator of cytokinesis 8; plus strand). Cytogenetic location: 9p24.3.
Variant type: single nucleotide variant.
Coding change: c.4858C>G on transcript NM_203447.4 (MANE Select); coding-DNA position 4858, C replaced by G.
Protein change: p.Pro1620Ala; replaces proline 1620 with alanine.
Molecular consequence: missense variant.
Genome position (GRCh38, 1-based): chr9:433,947, C>G. VCF-style: chr9-433947-C-G. GRCh37 (hg19) VCF-style: chr9-433947-C-G.
Other names: c.4558C>G, p.Pro1520Ala (NM_001190458.2); c.4654C>G, p.Pro1552Ala (NM_001193536.2); short protein forms P1620A, P1520A, P1552A.
Identifiers: ClinVar variation 657707 (VCV000657707.9), dbSNP rs1460974742, ClinGen allele CA372767092.

ClinVar aggregate classification (germline): Uncertain significance (1 of 4 stars; one submission).

Conditions:
Combined immunodeficiency due to DOCK8 deficiency (HIES2). Also called: Hyper-IgE recurrent infection syndrome, autosomal recessive; DOCK8 Deficiency; HIES autosomal recessive; HYPER-IgE RECURRENT INFECTION SYNDROME 2, AUTOSOMAL RECESSIVE; HYPER-IgE SYNDROME 2, AUTOSOMAL RECESSIVE, WITH RECURRENT INFECTIONS. Identifiers: Orphanet 217390, MedGen C4722305, MONDO:0009478, OMIM 243700.

Allele frequency attached by ClinVar (database versions not stated): TOPMed 0.00001; gnomAD exomes 0.00002.
gnomAD v4.1: 12 of 1,613,962 alleles (0.00074%); highest among the groups gnomAD compares: East Asian, 0.018%; no homozygotes.

Submission:

Labcorp Genetics (formerly Invitae), Labcorp
Classification: Uncertain significance for Combined immunodeficiency due to DOCK8 deficiency. Last evaluated: 2018-11-20. Review status: criteria provided, single submitter. Criteria: Invitae Variant Classification Sherloc (09022015). Collection method: clinical testing. Allele origin: germline.
Comment: This sequence change replaces proline with alanine at codon 1620 of the DOCK8 protein (p.Pro1620Ala). The proline residue is moderately conserved and there is a small physicochemical difference between proline and alanine. This variant is not present in population databases (ExAC no frequency). This variant has not been reported in the literature in individuals with DOCK8-related disease. Algorithms developed to predict the effect of missense changes on protein structure and function (SIFT, PolyPhen-2, Align-GVGD) all suggest that this variant is likely to be tolerated, but these predictions have not been confirmed by published functional studies and their clinical significance is uncertain. In summary, the available evidence is currently insufficient to determine the role of this variant in disease. Therefore, it has been classified as a Variant of Uncertain Significance.